The following is an entry in ClinVar:

NM_025137.4(SPG11):c.6289G>A (p.Gly2097Ser)

Gene: SPG11 (SPG11 vesicle trafficking associated, spatacsin; minus strand). Cytogenetic location: 15q21.1.
Variant type: single nucleotide variant.
Coding change: c.6289G>A on transcript NM_025137.4 (MANE Select); coding-DNA position 6289, G replaced by A.
Protein change: p.Gly2097Ser; replaces glycine 2097 with serine.
Molecular consequence: missense variant.
Genome position (GRCh38, 1-based): chr15:44,572,737, C>T on the plus strand (G>A on the coding strand, the complement: SPG11 is on the minus strand). VCF-style: chr15-44572737-C-T. GRCh37 (hg19) VCF-style: chr15-44864935-C-T.
Other names: c.5950G>A, p.Gly1984Ser (NM_001160227.2); c.6145G>A, p.Gly2049Ser (NM_001411132.1); short protein forms G1984S, G2049S, G2097S.
Identifiers: ClinVar variation 1994579 (VCV001994579.1), dbSNP rs2505221380, ClinGen allele CA392217272.

ClinVar aggregate classification (germline): Uncertain significance (1 of 4 stars; one submission).

Conditions:
Hereditary spastic paraplegia 11. Also called: SPASTIC PARAPLEGIA, AUTOSOMAL RECESSIVE, COMPLICATED, WITH THIN CORPUS CALLOSUM; SPASTIC PARAPLEGIA, AUTOSOMAL RECESSIVE, WITH MENTAL IMPAIRMENT AND THIN CORPUS CALLOSUM; Spastic Paraplegia 11; Spastic paraplegia, mental retardation and thin corpus callosum; Nakamura Osame syndrome; Autosomal recessive hereditary spastic paraplegia, mental impairment, and thin corpus callosum. Identifiers: Orphanet 2822, MedGen C1858479, MONDO:0011445, OMIM 604360.

Submission:

Labcorp Genetics (formerly Invitae), Labcorp
Classification: Uncertain significance for Hereditary spastic paraplegia 11. Last evaluated: 2022-06-10. Review status: criteria provided, single submitter. Criteria: Invitae Variant Classification Sherloc (09022015). Collection method: clinical testing. Allele origin: germline.
Comment: This sequence change replaces glycine, which is neutral and non-polar, with serine, which is neutral and polar, at codon 2097 of the SPG11 protein (p.Gly2097Ser). This variant is not present in population databases (gnomAD no frequency). This variant has not been reported in the literature in individuals affected with SPG11-related conditions. Algorithms developed to predict the effect of missense changes on protein structure and function (SIFT, PolyPhen-2, Align-GVGD) all suggest that this variant is likely to be disruptive. Algorithms developed to predict the effect of sequence changes on RNA splicing suggest that this variant may disrupt the consensus splice site. In summary, the available evidence is currently insufficient to determine the role of this variant in disease. Therefore, it has been classified as a Variant of Uncertain Significance.